The following is an entry in ClinVar:

ClinVar aggregate classification (germline): Uncertain significance (1 of 4 stars; one submission).

Allele frequency attached by ClinVar (database versions not stated): gnomAD 0.00001; TOPMed 0.00001; gnomAD exomes 0.00002.
gnomAD v4.1: 27 of 1,608,176 alleles (0.0017%); highest among the groups gnomAD compares: Non-Finnish European, 0.002%; no homozygotes.

Submission:

Labcorp Genetics (formerly Invitae), Labcorp
Classification: Uncertain significance. Last evaluated: 2026-01-15. Review status: criteria provided, single submitter. Criteria: Invitae Variant Classification Sherloc (09022015). Collection method: clinical testing. Allele origin: germline.
Comment: This sequence change replaces alanine, which is neutral and non-polar, with glutamic acid, which is acidic and polar, at codon 324 of the MYLK3 protein (p.Ala324Glu). The frequency data for this variant in the population databases is considered unreliable, as metrics indicate poor data quality at this position in the gnomAD database. This variant has not been reported in the literature in individuals affected with MYLK3-related conditions. ClinVar contains an entry for this variant (Variation ID: 1929471). An algorithm developed to predict the effect of missense changes on protein structure and function outputs the following: PolyPhen-2: "Benign". The glutamic acid amino acid residue is found in multiple mammalian species, which suggests that this missense change does not adversely affect protein function. In summary, the available evidence is currently insufficient to determine the role of this variant in disease. Therefore, it has been classified as a Variant of Uncertain Significance.

NM_182493.3(MYLK3):c.971C>A (p.Ala324Glu)

Gene: MYLK3 (myosin light chain kinase 3; minus strand). Cytogenetic location: 16q11.2.
Variant type: single nucleotide variant.
Coding change: c.971C>A on transcript NM_182493.3 (MANE Select); coding-DNA position 971, C replaced by A.
Protein change: p.Ala324Glu; replaces alanine 324 with glutamic acid.
Molecular consequence: missense variant. On other transcripts: intron variant (1).
Genome position (GRCh38, 1-based): chr16:46,737,741, G>T on the plus strand (C>A on the coding strand, the complement: MYLK3 is on the minus strand). VCF-style: chr16-46737741-G-T. GRCh37 (hg19) VCF-style: chr16-46771653-G-T.
Other names: c.-23+2316C>A (NM_001308301.1); short protein forms A324E.
Identifiers: ClinVar variation 1929471 (VCV001929471.5), dbSNP rs758112525, ClinGen allele CA280235669.
Genomic context (GRCh38, chr16:46,737,741, plus strand): 5'-CCTCACCCAGCCTGGAAGAGCTCCCCTTACCTTGGAGGTGTTTCTCCACCACTGTGGGTT[G>T]CCCTGGCCTGGGCTGGCAGCCCTGGAGGCCCTGGGCACTGAGGGCCAGGCCCTGGAGTCA-3'
Protein context (NP_872299.2, residues 314-334): GPPGLPAQAR[Ala324Glu]THSGGETPPR